The following is an entry in ClinVar:

NM_080552.3(SLC32A1):c.1391C>G (p.Thr464Arg)

Gene: SLC32A1 (solute carrier family 32 member 1; plus strand). Cytogenetic location: 20q11.23.
Variant type: single nucleotide variant.
Coding change: c.1391C>G on transcript NM_080552.3 (MANE Select); coding-DNA position 1391, C replaced by G.
Protein change: p.Thr464Arg; replaces threonine 464 with arginine.
Molecular consequence: missense variant.
Genome position (GRCh38, 1-based): chr20:38,728,452, C>G. VCF-style: chr20-38728452-C-G. GRCh37 (hg19) VCF-style: chr20-37357095-C-G.
Other names: c.1391C>G (NM_080552.2); short protein forms T464R.
Identifiers: ClinVar variation 918044 (VCV000918044.5), dbSNP rs2084286911, ClinGen allele CA408907261.

ClinVar aggregate classification (germline): Uncertain significance. Review status: criteria provided, single submitter (1 of 4 stars). 3 submissions from 3 submitters: Uncertain significance (1). 2 of the submissions do not count toward it. Last evaluated 2022-04-13.

Conditions:
Generalized epilepsy with febrile seizures plus. Also called: Generalized Epilepsy with Febrile Seizures Plus (GEFS+). Identifiers: Orphanet 36387, MedGen C3502809, MONDO:0018214.
Generalized epilepsy with febrile seizures plus, type 12. Also called: GEFS+, TYPE 12. Identifiers: MedGen C5935592, MONDO:0958324, OMIM 620755.

Submissions (3):

GeneDx
Classification: Uncertain significance. Last evaluated: 2022-04-13. Review status: criteria provided, single submitter. Criteria: GeneDx Variant Classification Process June 2021. Collection method: clinical testing. Allele origin: germline. Affected: yes.
Comment: Not observed at significant frequency in large population cohorts (gnomAD); In silico analysis supports that this missense variant has a deleterious effect on protein structure/function; Identified in a family with features suggestive of genetic epilepsy with febrile seizures plus in published literature (Heron et al., 2021); Variants in candidate genes are classified as variants of uncertain significance in accordance with ACMG guidelines (Richards et al., 2015); This variant is associated with the following publications: (PMID: 34038384)

OMIM
Classification: Pathogenic for GENERALIZED EPILEPSY WITH FEBRILE SEIZURES PLUS, TYPE 12. Last evaluated: 2024-04-01. Review status: no assertion criteria provided. Collection method: literature only. Allele origin: germline. Not counted in ClinVar's aggregate classification.

Neurogenetics Research Program, University of Adelaide
Classification: Likely pathogenic for Generalized epilepsy with febrile seizures plus. Last evaluated: 2020-01-01. Review status: no assertion criteria provided. Collection method: research. Allele origin: germline. Inheritance: Autosomal dominant inheritance. Affected: yes. Observed: 3 variant alleles, 3 heterozygotes. Not counted in ClinVar's aggregate classification.

Literature cited by the submitters: PubMed 34038384 (cited by OMIM).